The following is an entry in ClinVar:

NM_152443.3(RDH12):c.601T>C (p.Cys201Arg)

Genes: GPHN (gephyrin; plus strand), RDH12 (retinol dehydrogenase 12; plus strand). Cytogenetic location: 14q24.1.
Variant type: single nucleotide variant.
Coding change: c.601T>C on transcript NM_152443.3 (MANE Select); coding-DNA position 601, T replaced by C.
Protein change: p.Cys201Arg; replaces cysteine 201 with arginine.
Molecular consequence: missense variant.
Genome position (GRCh38, 1-based): chr14:67,727,133, T>C. VCF-style: chr14-67727133-T-C. GRCh37 (hg19) VCF-style: chr14-68193850-T-C.
Other names: short protein forms C201R.
Identifiers: ClinVar variation 866060 (VCV000866060.12), dbSNP rs2038196341, ClinGen allele CA390151439.
Genomic context (GRCh38, chr14:67,727,133, plus strand): 5'-GGCAAGATTCCCTTCCACGACCTCCAGAGCGAGAAGCGCTACAGCAGGGGTTTTGCCTAT[T>C]GCCACAGCAAGCTGGCCAATGTGCTTTTTACTCGTGAGCTGGCCAAGAGGCTCCAAGGTA-3'
Protein context (NP_689656.2, residues 191-211): EKRYSRGFAY[Cys201Arg]HSKLANVLFT

ClinVar aggregate classification (germline): Pathogenic. Review status: criteria provided, multiple submitters, no conflicts (2 of 4 stars). 2 submissions from 2 submitters: Pathogenic (2). Last evaluated 2024-03-18.

Conditions:
RDH12-related disorder. Also called: RDH12-related condition; RDH12-related disorders.
Leber congenital amaurosis 13 (LCA13). Identifiers: MedGen C2675186, MONDO:0012990, OMIM 612712.

Submissions (2):

Labcorp Genetics (formerly Invitae), Labcorp
Classification: Pathogenic for Leber congenital amaurosis 13. Last evaluated: 2024-03-18. Review status: criteria provided, single submitter. Criteria: Invitae Variant Classification Sherloc (09022015). Collection method: clinical testing. Allele origin: germline.
Comment: This sequence change replaces cysteine, which is neutral and slightly polar, with arginine, which is basic and polar, at codon 201 of the RDH12 protein (p.Cys201Arg). This variant is not present in population databases (gnomAD no frequency). This missense change has been observed in individuals with autosomal recessive RDH12-related conditions (PMID: 17512964, 22065924, 25133751). ClinVar contains an entry for this variant (Variation ID: 866060). Advanced modeling of protein sequence and biophysical properties (such as structural, functional, and spatial information, amino acid conservation, physicochemical variation, residue mobility, and thermodynamic stability) performed at Invitae indicates that this missense variant is not expected to disrupt RDH12 protein function with a negative predictive value of 80%. Experimental studies have shown that this missense change affects RDH12 function (PMID: 17512964). For these reasons, this variant has been classified as Pathogenic.

Blueprint Genetics
Classification: Pathogenic for RDH12-related disorders. Last evaluated: 2022-12-13. Review status: criteria provided, single submitter. Criteria: ACMG Guidelines, 2015. Collection method: clinical testing. Allele origin: germline. Affected: yes. Observed: 4 variant alleles.

Literature cited by the submitters: PubMed 17512964 (cited by Labcorp Genetics (formerly Invitae), Labcorp); PubMed 22065924 (cited by Labcorp Genetics (formerly Invitae), Labcorp); PubMed 25133751 (cited by Labcorp Genetics (formerly Invitae), Labcorp).